The following is an entry in ClinVar:

NM_153252.5(BRWD3):c.1127+6del

Gene: BRWD3 (bromodomain and WD repeat domain containing 3; minus strand). Cytogenetic location: Xq21.1.
Variant type: Deletion.
Coding change: c.1127+6del on transcript NM_153252.5 (MANE Select); 6 bases into the intron after coding-DNA position 1127, one base deleted (T; older notation c.1127+6delT).
Molecular consequence: intron variant.
Genome position (GRCh38, 1-based): chrX:80,733,450, A deleted on the plus strand (T on the coding strand, the reverse complement: BRWD3 is on the minus strand); the first of 2 consecutive A bases (chrX:80,733,450-80,733,451); deleting either gives the same sequence. VCF-style (leftmost placement, unchanged base first): chrX-80733449-TA-T. GRCh37 (hg19) VCF-style: chrX-79988948-TA-T.
Identifiers: ClinVar variation 2721617 (VCV002721617.4), dbSNP rs754079205, ClinGen allele CA10462239.

ClinVar aggregate classification (germline): Benign/Likely benign. Review status: criteria provided, multiple submitters, no conflicts (2 of 4 stars). 2 submissions from 2 submitters: Benign (1); Likely benign (1). Last evaluated 2026-08-01.

Submissions (2):

CeGaT Center for Human Genetics Tuebingen
Classification: Likely benign. Last evaluated: 2026-08-01. Review status: criteria provided, single submitter. Criteria: CeGaT Center For Human Genetics Tuebingen Variant Classification Criteria Version 2. Collection method: clinical testing. Allele origin: germline. Affected: yes. Observed: 1 variant allele.
Comment: BRWD3: BP4

Labcorp Genetics (formerly Invitae), Labcorp
Classification: Benign. Last evaluated: 2023-12-11. Review status: criteria provided, single submitter. Criteria: Invitae Variant Classification Sherloc (09022015). Collection method: clinical testing. Allele origin: germline.